The following is an entry in ClinVar:

NM_004795.4(KL):c.2790T>G (p.Tyr930Ter)

Gene: KL (klotho; plus strand). Cytogenetic location: 13q13.1.
Variant type: single nucleotide variant.
Coding change: c.2790T>G on transcript NM_004795.4 (MANE Select); coding-DNA position 2790, T replaced by G.
Protein change: p.Tyr930Ter; replaces tyrosine 930 with a stop codon.
Molecular consequence: nonsense.
Genome position (GRCh38, 1-based): chr13:33,063,937, T>G. VCF-style: chr13-33063937-T-G. GRCh37 (hg19) VCF-style: chr13-33638074-T-G.
Other names: short protein forms Y930*.
Identifiers: ClinVar variation 2714008 (VCV002714008.3), dbSNP rs764754432, ClinGen allele CA387800050.

ClinVar aggregate classification (germline): Uncertain significance (1 of 4 stars; one submission).

Submission:

Labcorp Genetics (formerly Invitae), Labcorp
Classification: Uncertain significance. Last evaluated: 2024-01-29. Review status: criteria provided, single submitter. Criteria: Invitae Variant Classification Sherloc (09022015). Collection method: clinical testing. Allele origin: germline.
Comment: This sequence change creates a premature translational stop signal (p.Tyr930*) in the KL gene. While this is not anticipated to result in nonsense mediated decay, it is expected to disrupt the last 83 amino acid(s) of the KL protein. This variant is not present in population databases (gnomAD no frequency). This variant has not been reported in the literature in individuals affected with KL-related conditions. In summary, the available evidence is currently insufficient to determine the role of this variant in disease. Therefore, it has been classified as a Variant of Uncertain Significance.